The following is an entry in ClinVar:

ClinVar aggregate classification (germline): Uncertain significance (1 of 4 stars; one submission).

Conditions:
Familial adenomatous polyposis 1 (FAP1). Also called: POLYPOSIS, ADENOMATOUS INTESTINAL; FAMILIAL ADENOMATOUS POLYPOSIS 1, ATTENUATED. Identifiers: MedGen C2713442, MONDO:0021056, OMIM 175100. Disease mechanism: loss of function.

Submission:

Labcorp Genetics (formerly Invitae), Labcorp
Classification: Uncertain significance for Familial adenomatous polyposis 1. Last evaluated: 2023-10-06. Review status: criteria provided, single submitter. Criteria: Invitae Variant Classification Sherloc (09022015). Collection method: clinical testing. Allele origin: germline.
Comment: This sequence change replaces leucine, which is neutral and non-polar, with serine, which is neutral and polar, at codon 954 of the APC protein (p.Leu954Ser). This variant is not present in population databases (gnomAD no frequency). This variant has not been reported in the literature in individuals affected with APC-related conditions. Advanced modeling of protein sequence and biophysical properties (such as structural, functional, and spatial information, amino acid conservation, physicochemical variation, residue mobility, and thermodynamic stability) performed at Invitae indicates that this missense variant is not expected to disrupt APC protein function. In summary, the available evidence is currently insufficient to determine the role of this variant in disease. Therefore, it has been classified as a Variant of Uncertain Significance.

NM_000038.6(APC):c.2861T>C (p.Leu954Ser)

Gene: APC (APC regulator of Wnt signaling pathway; plus strand). Cytogenetic location: 5q22.2.
Variant type: single nucleotide variant.
Coding change: c.2861T>C on transcript NM_000038.6 (MANE Select); coding-DNA position 2861, T replaced by C.
Protein change: p.Leu954Ser; replaces leucine 954 with serine.
Molecular consequence: missense variant. On other transcripts: non-coding transcript variant (2).
Genome position (GRCh38, 1-based): chr5:112,838,455, T>C. VCF-style: chr5-112838455-T-C. GRCh37 (hg19) VCF-style: chr5-112174152-T-C.
Other names: c.2861T>C, p.Leu954Ser (NM_001127510.3, NM_001354895.2, NM_001407450.1); c.2807T>C, p.Leu936Ser (NM_001127511.3); c.2915T>C, p.Leu972Ser (NM_001354896.2, NM_001407447.1, NM_001407448.1 and 1 more transcripts); c.2891T>C, p.Leu964Ser (NM_001354897.2); c.2786T>C, p.Leu929Ser (NM_001354898.2); c.2777T>C, p.Leu926Ser (NM_001354899.2); c.2738T>C, p.Leu913Ser (NM_001354900.2); c.2684T>C, p.Leu895Ser (NM_001354901.2, NM_001407453.1); and 11 more; short protein forms L929S, L972S, L853S, L895S, L926S, L947S, L964S, L570S.
Identifiers: ClinVar variation 2766354 (VCV002766354.3), dbSNP rs2149878966, ClinGen allele CA16027570.